The following is an entry in ClinVar:

ClinVar aggregate classification (germline): Uncertain significance (1 of 4 stars; one submission).

Conditions:
Charcot-Marie-Tooth disease type 4. Also called: Charcot-Marie-Tooth disease, type IV; Charcot-Marie-Tooth, Type 4. Identifiers: Orphanet 64749, MedGen C4082197, MONDO:0018995.

Allele frequency attached by ClinVar (database versions not stated): gnomAD 0.00001; TOPMed 0.00002.
gnomAD v4.1: 1 of 1,614,098 alleles (0.000062%); highest among the groups gnomAD compares: African/African-American, 0.0013%; no homozygotes.

Submission:

Labcorp Genetics (formerly Invitae), Labcorp
Classification: Uncertain significance for Charcot-Marie-Tooth disease type 4. Last evaluated: 2019-12-19. Review status: criteria provided, single submitter. Criteria: Invitae Variant Classification Sherloc (09022015). Collection method: clinical testing. Allele origin: germline.
Comment: This sequence change replaces glutamine with histidine at codon 99 of the FGD4 protein (p.Gln99His). The glutamine residue is highly conserved and there is a small physicochemical difference between glutamine and histidine. This variant is not present in population databases (ExAC no frequency). This variant has not been reported in the literature in individuals with FGD4-related conditions. Algorithms developed to predict the effect of missense changes on protein structure and function are either unavailable or do not agree on the potential impact of this missense change (SIFT: "Deleterious"; PolyPhen-2: "Benign"; Align-GVGD: "Class C15"). In summary, the available evidence is currently insufficient to determine the role of this variant in disease. Therefore, it has been classified as a Variant of Uncertain Significance.

NM_001370298.3(FGD4):c.708G>T (p.Gln236His)

Gene: FGD4 (FYVE, RhoGEF and PH domain containing 4; plus strand). Cytogenetic location: 12p11.21.
Variant type: single nucleotide variant.
Coding change: c.708G>T on transcript NM_001370298.3 (MANE Select); coding-DNA position 708, G replaced by T.
Protein change: p.Gln236His; replaces glutamine 236 with histidine.
Molecular consequence: missense variant. On other transcripts: 5 prime UTR variant (2), non-coding transcript variant (1), intron variant (1).
Genome position (GRCh38, 1-based): chr12:32,582,164, G>T. VCF-style: chr12-32582164-G-T. GRCh37 (hg19) VCF-style: chr12-32735098-G-T.
Other names: c.552G>T, p.Gln184His (NM_001304481.2); c.-548G>T (NM_001304483.2); c.-855G>T (NM_001304484.2); c.18G>T, p.Gln6His (NM_001330373.2, NM_001330374.2, NM_001384130.1); c.708G>T, p.Gln236His (NM_001384126.1); c.297G>T, p.Gln99His (NM_001384127.1, NM_001384128.1, NM_001384131.1 and 3 more transcripts); c.49-16333G>T (NM_001370297.1); short protein forms Q184H, Q6H, Q99H, Q236H.
Identifiers: ClinVar variation 863466 (VCV000863466.1), dbSNP rs936490141, ClinGen allele CA235437798.